The following is an entry in ClinVar:

NM_004519.4(KCNQ3):c.2525C>T (p.Thr842Met)

Gene: KCNQ3 (potassium voltage-gated channel subfamily Q member 3; minus strand). Cytogenetic location: 8q24.22.
Variant type: single nucleotide variant.
Coding change: c.2525C>T on transcript NM_004519.4 (MANE Select); coding-DNA position 2525, C replaced by T.
Protein change: p.Thr842Met; replaces threonine 842 with methionine.
Molecular consequence: missense variant.
Genome position (GRCh38, 1-based): chr8:132,129,356, G>A on the plus strand (C>T on the coding strand, the complement: KCNQ3 is on the minus strand). VCF-style: chr8-132129356-G-A. GRCh37 (hg19) VCF-style: chr8-133141603-G-A.
Other names: c.2165C>T, p.Thr722Met (NM_001204824.2); short protein forms T722M, T842M.
Identifiers: ClinVar variation 2971612 (VCV002971612.4), dbSNP rs202163980, ClinGen allele CA4880424.

ClinVar aggregate classification (germline): Uncertain significance. Review status: criteria provided, multiple submitters, no conflicts (2 of 4 stars). 2 submissions from 2 submitters: Uncertain significance (2). Last evaluated 2024-04-12.

Conditions:
Benign neonatal seizures. Also called: Convulsions benign familial neonatal dominant form; Autosomal dominant form of benign neonatal seizures; Benign familial neonatal seizures; Benign familial neonatal epilepsy; Benign neonatal familial convulsions. Identifiers: Orphanet 1949, MedGen C0220669, MONDO:0016027.

Allele frequency attached by ClinVar (database versions not stated): TOPMed below 0.00001; gnomAD 0.00001; gnomAD exomes 0.00002; ExAC 0.00003; 1000 Genomes Project 30x 0.00016; 1000 Genomes Project 0.00020.
gnomAD v4.1: 24 of 1,614,230 alleles (0.0015%); highest among the groups gnomAD compares: Non-Finnish European, 0.0012%; no homozygotes.

Submissions (2):

Labcorp Genetics (formerly Invitae), Labcorp
Classification: Uncertain significance for Benign neonatal seizures. Last evaluated: 2024-04-12. Review status: criteria provided, single submitter. Criteria: Invitae Variant Classification Sherloc (09022015). Collection method: clinical testing. Allele origin: germline.
Comment: This sequence change replaces threonine, which is neutral and polar, with methionine, which is neutral and non-polar, at codon 842 of the KCNQ3 protein (p.Thr842Met). This variant is present in population databases (rs202163980, gnomAD 0.01%). This variant has not been reported in the literature in individuals affected with KCNQ3-related conditions. Advanced modeling of protein sequence and biophysical properties (such as structural, functional, and spatial information, amino acid conservation, physicochemical variation, residue mobility, and thermodynamic stability) has been performed at Invitae for this missense variant, however the output from this modeling did not meet the statistical confidence thresholds required to predict the impact of this variant on KCNQ3 protein function. In summary, the available evidence is currently insufficient to determine the role of this variant in disease. Therefore, it has been classified as a Variant of Uncertain Significance.

Blueprint Genetics
Classification: Uncertain significance. Last evaluated: 2019-11-27. Review status: criteria provided, single submitter. Criteria: ACMG Guidelines, 2015. Collection method: clinical testing. Allele origin: germline.